The following is an entry in ClinVar:

NM_003242.6(TGFBR2):c.1194T>G (p.Phe398Leu)

Gene: TGFBR2 (transforming growth factor beta receptor 2; plus strand). Cytogenetic location: 3p24.1.
Variant type: single nucleotide variant.
Coding change: c.1194T>G on transcript NM_003242.6 (MANE Select); coding-DNA position 1194, T replaced by G.
Protein change: p.Phe398Leu; replaces phenylalanine 398 with leucine.
Molecular consequence: missense variant.
Genome position (GRCh38, 1-based): chr3:30,672,377, T>G. VCF-style: chr3-30672377-T-G. GRCh37 (hg19) VCF-style: chr3-30713869-T-G.
Other names: c.1089T>G, p.Phe363Leu (NM_001407136.1, NM_001407132.1, NM_001407133.1 and 2 more transcripts); c.909T>G, p.Phe303Leu (NM_001407137.1); c.834T>G, p.Phe278Leu (NM_001407138.1); c.1269T>G, p.Phe423Leu (NM_001024847.3); c.1377T>G, p.Phe459Leu (NM_001407126.1); c.1302T>G, p.Phe434Leu (NM_001407127.1); c.1221T>G, p.Phe407Leu (NM_001407128.1); c.1197T>G, p.Phe399Leu (NM_001407129.1); and 1 more; short protein forms F423L, F278L, F303L, F363L, F398L, F434L, F459L, F399L.
Identifiers: ClinVar variation 1745721 (VCV001745721.6), dbSNP rs1036756776, ClinGen allele CA71528929.

ClinVar aggregate classification (germline): Uncertain significance. Review status: criteria provided, multiple submitters, no conflicts (2 of 4 stars). 4 submissions from 4 submitters: Uncertain significance (4). Last evaluated 2025-06-30.

Conditions:
Loeys-Dietz syndrome 2 (LDS2). Also called: TGFBR2-Related Loeys-Dietz Syndrome; Marfan Syndrome type 2; Marfan like connective tissue disorder; MFS 2; AORTIC ANEURYSM, FAMILIAL THORACIC 3; MARFAN SYNDROME, TYPE II. Identifiers: Orphanet 284973, Orphanet 558, MedGen C2674574, MONDO:0012427, OMIM 610168.
Familial thoracic aortic aneurysm and aortic dissection (TAAD). Also called: Thoracic aortic aneurysms and dissections. Identifiers: Orphanet 91387, MedGen C4707243, MONDO:0019625.

Allele frequency attached by ClinVar (database versions not stated): gnomAD exomes below 0.00001; TOPMed 0.00002.
gnomAD v4.1: 1 of 1,614,220 alleles (0.000062%); highest among the groups gnomAD compares: African/African-American, 0.0013%; no homozygotes.

Submissions (4):

Color Diagnostics, LLC DBA Color Health
Classification: Uncertain significance for Familial thoracic aortic aneurysm and aortic dissection. Last evaluated: 2025-06-30. Review status: criteria provided, single submitter. Criteria: ACMG Guidelines, 2015. Collection method: clinical testing. Allele origin: germline.
Comment: This missense variant replaces phenylalanine with leucine at codon 398 of the TGFBR2 protein. Computational prediction is inconclusive regarding the impact of this variant on protein structure and function. To our knowledge, functional studies have not been reported for this variant. This variant has not been reported in individuals affected with TGFBR2-related disorders in the literature. This variant has not been identified in the general population by the Genome Aggregation Database (gnomAD). The available evidence is insufficient to determine the role of this variant in disease conclusively. Therefore, this variant is classified as a Variant of Uncertain Significance.

Labcorp Genetics (formerly Invitae), Labcorp
Classification: Uncertain significance for Familial thoracic aortic aneurysm and aortic dissection. Last evaluated: 2025-06-17. Review status: criteria provided, single submitter. Criteria: Invitae Variant Classification Sherloc (09022015). Collection method: clinical testing. Allele origin: germline.
Comment: This sequence change replaces phenylalanine, which is neutral and non-polar, with leucine, which is neutral and non-polar, at codon 398 of the TGFBR2 protein (p.Phe398Leu). This variant is not present in population databases (gnomAD no frequency). This variant has not been reported in the literature in individuals affected with TGFBR2-related conditions. ClinVar contains an entry for this variant (Variation ID: 1745721). Invitae Evidence Modeling of protein sequence and biophysical properties (such as structural, functional, and spatial information, amino acid conservation, physicochemical variation, residue mobility, and thermodynamic stability) has been performed for this missense variant. However, the output from this modeling did not meet the statistical confidence thresholds required to predict the impact of this variant on TGFBR2 protein function. In summary, the available evidence is currently insufficient to determine the role of this variant in disease. Therefore, it has been classified as a Variant of Uncertain Significance.

All of Us Research Program, National Institutes of Health
Classification: Uncertain significance for Loeys-Dietz syndrome 2. Last evaluated: 2023-03-09. Review status: criteria provided, single submitter. Criteria: ACMG Guidelines, 2015. Collection method: clinical testing. Allele origin: germline. Inheritance: Autosomal dominant inheritance. Observed: 1 variant allele, 1 heterozygote.
Comment: This missense variant replaces phenylalanine with leucine at codon 398 of the TGFBR2 protein. Computational prediction is inconclusive regarding the impact of this variant on protein structure and function (internally defined REVEL score threshold 0.5 < inconclusive < 0.7, PMID: 27666373). To our knowledge, functional studies have not been reported for this variant. This variant has not been reported in individuals affected with TGFBR2-related disorders in the literature. This variant has not been identified in the general population by the Genome Aggregation Database (gnomAD). The available evidence is insufficient to determine the role of this variant in disease conclusively. Therefore, this variant is classified as a Variant of Uncertain Significance.

This study involves interpretation of variants in research participants for the purpose of population health screening. Participant phenotype was not available at the time of variant classification. Additional details can be found in publication PMID: 35346344, PMCID: PMC8962531

Ambry Genetics
Classification: Uncertain significance for Familial thoracic aortic aneurysm and aortic dissection. Last evaluated: 2022-08-20. Review status: criteria provided, single submitter. Criteria: Ambry Variant Classification Scheme 2023. Collection method: clinical testing. Allele origin: germline.
Comment: The p.F398L variant (also known as c.1194T>G), located in coding exon 4 of the TGFBR2 gene, results from a T to G substitution at nucleotide position 1194. The phenylalanine at codon 398 is replaced by leucine, an amino acid with highly similar properties. This amino acid position is conserved. In addition, this alteration is predicted to be deleterious by in silico analysis. Since supporting evidence is limited at this time, the clinical significance of this alteration remains unclear.